The following is an entry in ClinVar:

GRCh38/hg38 1q21.1(chr1:145635432-146019857)x3

Genes: ANKRD34A (ankyrin repeat domain 34A; minus strand), ANKRD35 (ankyrin repeat domain 35; minus strand), ANKRD35-DT (ANKRD35 divergent transcript; plus strand), CD160 (CD160 molecule; plus strand), GPHRA (golgi pH regulator A; plus strand) and 40 more. Cytogenetic location: 1q21.1.
Variant type: copy number gain.
Change: copy number 3 (three copies instead of two) of chr1:145,635,432-146,019,857 (384.4 kb, GRCh38 coordinates, 1-based), cytogenetic band 1q21.1.
Identifiers: ClinVar variation 144668 (VCV000144668.2).

ClinVar aggregate classification (germline): conflicting data from submitters (0 of 4 stars; one submission).

Submission:

ISCA site 4
Classification: conflicting data from submitters. Last evaluated: 2012-09-21. Review status: no assertion criteria provided. Collection method: clinical testing. Allele origin: unknown. Affected: yes. Observed: 2 variant alleles.
Comment: Uncertain significance(1), Benign (1)

Copy number variation identified through the course of routine clinical cytogenomic testing in postnatal populations, with clinical assertions as classified by the original submitter.